The following is an entry in ClinVar:

ClinVar aggregate classification (germline): Uncertain significance (1 of 4 stars; one submission).

Conditions:
Cardiovascular phenotype. Identifiers: MedGen CN230736.

gnomAD v4.1: 1 of 1,614,110 alleles (0.000062%); highest among the groups gnomAD compares: Non-Finnish European, 0.000085%; no homozygotes.

Submission:

Ambry Genetics
Classification: Uncertain significance for Cardiovascular phenotype. Last evaluated: 2026-06-23. Review status: criteria provided, single submitter. Criteria: Ambry Variant Classification Scheme 2023. Collection method: clinical testing. Allele origin: germline.
Comment: The p.K3975M variant (also known as c.11924A>T), located in coding exon 19 of the ALMS1 gene, results from an A to T substitution at nucleotide position 11924. The lysine at codon 3975 is replaced by methionine, an amino acid with similar properties. This amino acid position is highly conserved in available vertebrate species. In addition, this alteration is predicted to be tolerated by in silico analysis. Based on the available evidence, the clinical significance of this variant remains unclear.

NM_001378454.1(ALMS1):c.11921A>T (p.Lys3974Met)

Genes: ALMS1 (ALMS1 centrosome and basal body associated protein; plus strand), LOC126806252 (BRD4-independent group 4 enhancer GRCh37_chr2:73828496-73829695; plus strand). Cytogenetic location: 2p13.1.
Variant type: single nucleotide variant.
Coding change: c.11921A>T on transcript NM_001378454.1 (MANE Select); coding-DNA position 11921, A replaced by T.
Protein change: p.Lys3974Met; replaces lysine 3974 with methionine.
Molecular consequence: missense variant.
Genome position (GRCh38, 1-based): chr2:73,601,243, A>T. VCF-style: chr2-73601243-A-T. GRCh37 (hg19) VCF-style: chr2-73828370-A-T.
Other names: c.11924A>T, p.Lys3975Met (NM_015120.4); short protein forms K3975M, K3974M.
Identifiers: ClinVar variation 5035866 (VCV005035866.1).